The following is an entry in ClinVar:

NM_000093.5(COL5A1):c.1507C>T (p.Arg503Cys)

Gene: COL5A1 (collagen type V alpha 1 chain; plus strand). Cytogenetic location: 9q34.3.
Variant type: single nucleotide variant.
Coding change: c.1507C>T on transcript NM_000093.5 (MANE Select); coding-DNA position 1507, C replaced by T.
Protein change: p.Arg503Cys; replaces arginine 503 with cysteine.
Molecular consequence: missense variant.
Genome position (GRCh38, 1-based): chr9:134,750,554, C>T. VCF-style: chr9-134750554-C-T. GRCh37 (hg19) VCF-style: chr9-137642400-C-T.
Other names: p.R503C:CGC>TGC; p.Arg503Cys; c.1507C>T, p.Arg503Cys (NM_001278074.1); short protein forms R503C.
Identifiers: ClinVar variation 212932 (VCV000212932.22), dbSNP rs781485753, ClinGen allele CA322509.

ClinVar aggregate classification (germline): Conflicting classifications of pathogenicity. Review status: criteria provided, conflicting classifications (1 of 4 stars). 5 submissions from 5 submitters: Uncertain significance (3); Benign (1); Likely benign (1). Last evaluated 2025-12-17.

Conditions:
Ehlers-Danlos syndrome, classic type, 1 (EDSCL1). Also called: Ehlers-Danlos Syndrome, Classic Type, COL5A1-Related; EHLERS-DANLOS SYNDROME, GRAVIS TYPE; EHLERS-DANLOS SYNDROME, SEVERE CLASSIC TYPE; Ehlers-Danlos syndrome, type 1; EDS I. Identifiers: MedGen C0268335, MONDO:0019567, OMIM 130000.
Familial thoracic aortic aneurysm and aortic dissection (TAAD). Also called: Thoracic aortic aneurysms and dissections. Identifiers: Orphanet 91387, MedGen C4707243, MONDO:0019625.

Allele frequency attached by ClinVar (database versions not stated): TOPMed 0.00012; gnomAD exomes 0.00007 and 0.00017; gnomAD 0.00008 and 0.00007; ExAC 0.00005.
gnomAD v4.1: 254 of 1,613,524 alleles (0.016%); highest among the groups gnomAD compares: Non-Finnish European, 0.02%; no homozygotes.

Submissions (5):

Mayo Clinic Laboratories, Mayo Clinic
Classification: Uncertain significance. Last evaluated: 2025-12-17. Review status: criteria provided, single submitter. Criteria: ACMG Guidelines, 2015. Collection method: clinical testing. Allele origin: germline. Observed: 1 variant allele.
Comment: BS1, PP3_moderate

Labcorp Genetics (formerly Invitae), Labcorp
Classification: Benign for Ehlers-Danlos syndrome, classic type, 1. Last evaluated: 2025-12-09. Review status: criteria provided, single submitter. Criteria: Invitae Variant Classification Sherloc (09022015). Collection method: clinical testing. Allele origin: germline.

Women's Health and Genetics/Laboratory Corporation of America, LabCorp
Classification: Likely benign. Last evaluated: 2025-11-18. Review status: criteria provided, single submitter. Criteria: LabCorp Variant Classification Summary - May 2015. Collection method: clinical testing. Allele origin: germline.
Comment: Variant summary: COL5A1 c.1507C>T (p.Arg503Cys) results in a non-conservative amino acid change in the encoded protein sequence. Algorithms developed to predict the effect of missense changes on protein structure and function all suggest that this variant is likely to be disruptive. The variant allele was found at a frequency of 7.2e-05 in 250400 control chromosomes. The observed variant frequency exceeds the estimated maximal expected allele frequency for disease-causing variants in COL5A1. To our knowledge, no occurrence of c.1507C>T in individuals affected with COL5A1-related conditions and no experimental evidence demonstrating its impact on protein function have been reported. ClinVar contains an entry for this variant (Variation ID: 212932). Based on the evidence outlined above, the variant was classified as likely benign.

Ambry Genetics
Classification: Uncertain significance for Familial thoracic aortic aneurysm and aortic dissection. Last evaluated: 2025-07-02. Review status: criteria provided, single submitter. Criteria: Ambry Variant Classification Scheme 2023. Collection method: clinical testing. Allele origin: germline.
Comment: The p.R503C variant (also known as c.1507C>T), located in coding exon 12 of the COL5A1 gene, results from a C to T substitution at nucleotide position 1507. The arginine at codon 503 is replaced by cysteine, an amino acid with highly dissimilar properties. This amino acid position is highly conserved in available vertebrate species. In addition, this alteration is predicted to be deleterious by in silico analysis. Based on the available evidence, the clinical significance of this variant remains unclear.

GeneDx
Classification: Uncertain significance. Last evaluated: 2024-06-18. Review status: criteria provided, single submitter. Criteria: GeneDx Variant Classification Process June 2021. Collection method: clinical testing. Allele origin: germline. Affected: yes.
Comment: In silico analysis supports that this missense variant has a deleterious effect on protein structure/function; Not located in the triple helical region, where the majority of pathogenic missense variants occur (PMID: 22696272; HGMD); Has not been previously published as pathogenic or benign to our knowledge; This variant is associated with the following publications: (PMID: 22696272)